The following is an entry in ClinVar:

NM_001852.4(COL9A2):c.396G>T (p.Glu132Asp)

Gene: COL9A2 (collagen type IX alpha 2 chain; minus strand). Cytogenetic location: 1p34.2.
Variant type: single nucleotide variant.
Coding change: c.396G>T on transcript NM_001852.4 (MANE Select); coding-DNA position 396, G replaced by T.
Protein change: p.Glu132Asp; replaces glutamic acid 132 with aspartic acid.
Molecular consequence: missense variant.
Genome position (GRCh38, 1-based): chr1:40,312,080, C>A on the plus strand (G>T on the coding strand, the complement: COL9A2 is on the minus strand). VCF-style: chr1-40312080-C-A. GRCh37 (hg19) VCF-style: chr1-40777752-C-A.
Other names: short protein forms E132D.
Identifiers: ClinVar variation 3633544 (VCV003633544.2).
Genomic context (GRCh38, chr1:40,312,080, plus strand): 5'-AAGGCAGGAGGCAGTGAACAGAGGGTGGCTGAGGCTCACCTTGGGGCCTCGGATTCCAAT[C>A]TCACCAGGGAGGCCAACAGGTCCAGGAGGCCCCTGGGGAGCAGAGAGTTGATGGTCAGGA-3'
Protein context (NP_001843.1, residues 122-142): GPPGPVGLPG[Glu132Asp]IGIRGPKGDP

ClinVar aggregate classification (germline): Uncertain significance (1 of 4 stars; one submission).

gnomAD v4.1: 3 of 1,602,346 alleles (0.00019%); highest among the groups gnomAD compares: South Asian, 0.0011%; no homozygotes.

Submission:

Labcorp Genetics (formerly Invitae), Labcorp
Classification: Uncertain significance. Last evaluated: 2025-01-21. Review status: criteria provided, single submitter. Criteria: Invitae Variant Classification Sherloc (09022015). Collection method: clinical testing. Allele origin: germline.
Comment: This sequence change replaces glutamic acid, which is acidic and polar, with aspartic acid, which is acidic and polar, at codon 132 of the COL9A2 protein (p.Glu132Asp). The frequency data for this variant in the population databases is considered unreliable, as metrics indicate poor data quality at this position in the gnomAD database. This variant has not been reported in the literature in individuals affected with COL9A2-related conditions. Invitae Evidence Modeling of protein sequence and biophysical properties (such as structural, functional, and spatial information, amino acid conservation, physicochemical variation, residue mobility, and thermodynamic stability) indicates that this missense variant is not expected to disrupt COL9A2 protein function with a negative predictive value of 95%. In summary, the available evidence is currently insufficient to determine the role of this variant in disease. Therefore, it has been classified as a Variant of Uncertain Significance.